The following is an entry in ClinVar:

NM_001042492.3(NF1):c.5264T>G (p.Ile1755Ser)

Gene: NF1 (neurofibromin 1; plus strand). Cytogenetic location: 17q11.2.
Variant type: single nucleotide variant.
Coding change: c.5264T>G on transcript NM_001042492.3 (MANE Select); coding-DNA position 5264, T replaced by G.
Protein change: p.Ile1755Ser; replaces isoleucine 1755 with serine.
Molecular consequence: missense variant.
Genome position (GRCh38, 1-based): chr17:31,326,248, T>G. VCF-style: chr17-31326248-T-G. GRCh37 (hg19) VCF-style: chr17-29653266-T-G.
Other names: c.5201T>G, p.Ile1734Ser (NM_000267.4); short protein forms I1734S, I1755S.
Identifiers: ClinVar variation 1721279 (VCV001721279.6), dbSNP rs2151539109, ClinGen allele CA399008408.

ClinVar aggregate classification (germline): Uncertain significance. Review status: criteria provided, multiple submitters, no conflicts (2 of 4 stars). 2 submissions from 2 submitters: Uncertain significance (2). Last evaluated 2025-11-11.

Conditions:
Neurofibromatosis, type 1 (NF1). Also called: Neurofibromatosis, type I; VON RECKLINGHAUSEN DISEASE; NEUROFIBROMATOSIS, TYPE I, SOMATIC; Peripheral type neurofibromatosis. Identifiers: Orphanet 636, MedGen C0027831, MONDO:0018975, OMIM 162200. Disease mechanism: loss of function.
Cardiovascular phenotype. Identifiers: MedGen CN230736.
Hereditary cancer-predisposing syndrome. Also called: Hereditary Cancer Syndrome; Hereditary neoplastic syndrome; Neoplastic Syndromes, Hereditary; Tumor predisposition. Identifiers: Orphanet 140162, MedGen C0027672, MeSH D009386, MONDO:0015356.

Submissions (2):

Ambry Genetics
Classification: Uncertain significance for Cardiovascular phenotype; Hereditary cancer-predisposing syndrome. Last evaluated: 2025-11-11. Review status: criteria provided, single submitter. Criteria: Ambry Variant Classification Scheme 2023. Collection method: clinical testing. Allele origin: germline.
Comment: The p.I1734S variant (also known as c.5201T>G), located in coding exon 36 of the NF1 gene, results from a T to G substitution at nucleotide position 5201. The isoleucine at codon 1734 is replaced by serine, an amino acid with dissimilar properties. This amino acid position is conserved. In addition, the in silico prediction for this alteration is inconclusive. Based on the available evidence, the clinical significance of this variant remains unclear.

Labcorp Genetics (formerly Invitae), Labcorp
Classification: Uncertain significance for Neurofibromatosis, type 1. Last evaluated: 2024-08-06. Review status: criteria provided, single submitter. Criteria: Invitae Variant Classification Sherloc (09022015). Collection method: clinical testing. Allele origin: germline.
Comment: This sequence change replaces isoleucine, which is neutral and non-polar, with serine, which is neutral and polar, at codon 1734 of the NF1 protein (p.Ile1734Ser). This variant is not present in population databases (gnomAD no frequency). This variant has not been reported in the literature in individuals affected with NF1-related conditions. ClinVar contains an entry for this variant (Variation ID: 1721279). Advanced modeling of protein sequence and biophysical properties (such as structural, functional, and spatial information, amino acid conservation, physicochemical variation, residue mobility, and thermodynamic stability) performed at Invitae indicates that this missense variant is expected to disrupt NF1 protein function with a positive predictive value of 95%. In summary, the available evidence is currently insufficient to determine the role of this variant in disease. Therefore, it has been classified as a Variant of Uncertain Significance.